The following is an entry in ClinVar:

NM_144596.4(TTC8):c.337A>G (p.Thr113Ala)

Gene: TTC8 (tetratricopeptide repeat domain 8; plus strand). Cytogenetic location: 14q31.3.
Variant type: single nucleotide variant.
Coding change: c.337A>G on transcript NM_144596.4 (MANE Select); coding-DNA position 337, A replaced by G.
Protein change: p.Thr113Ala; replaces threonine 113 with alanine.
Molecular consequence: missense variant. On other transcripts: 5 prime UTR variant (2), non-coding transcript variant (1).
Genome position (GRCh38, 1-based): chr14:88,841,044, A>G. VCF-style: chr14-88841044-A-G. GRCh37 (hg19) VCF-style: chr14-89307388-A-G.
Other names: c.307A>G, p.Thr103Ala (NM_001288781.1, NM_001366535.2, NM_001366536.2 and 2 more transcripts); c.-256A>G (NM_001288782.1); c.-351A>G (NM_001288783.1); short protein forms T103A, T113A.
Identifiers: ClinVar variation 3049010 (VCV003049010.3), dbSNP rs1259150039, ClinGen allele CA390574064.

ClinVar aggregate classification (germline): Uncertain significance. Review status: criteria provided, single submitter (1 of 4 stars). 2 submissions from 2 submitters: Uncertain significance (1). 1 of the submissions does not count toward it. Last evaluated 2024-01-15.

Conditions:
TTC8-related disorder. Also called: TTC8-related condition.
Retinitis pigmentosa 51 (RP51). Identifiers: Orphanet 791, MedGen C3150715, MONDO:0013274, OMIM 613464.
Bardet-Biedl syndrome 8 (BBS8). Identifiers: Orphanet 110, MedGen C1859566, MONDO:0014436, OMIM 615985.

Allele frequency attached by ClinVar (database versions not stated): gnomAD exomes 0.00001; TOPMed 0.00001; gnomAD 0.00002.
gnomAD v4.1: 20 of 1,613,982 alleles (0.0012%); highest among the groups gnomAD compares: Non-Finnish European, 0.0016%; no homozygotes.

Submissions (2):

Fulgent Genetics
Classification: Uncertain significance for Retinitis pigmentosa 51; Bardet-Biedl syndrome 8. Last evaluated: 2024-01-15. Review status: criteria provided, single submitter. Criteria: ACMG Guidelines, 2015. Collection method: clinical testing. Allele origin: germline.

PreventionGenetics, part of Exact Sciences
Classification: Uncertain significance for TTC8-related condition. Last evaluated: 2023-11-30. Review status: no assertion criteria provided. Collection method: clinical testing. Allele origin: germline. Not counted in ClinVar's aggregate classification.
Comment: The TTC8 c.337A>G variant is predicted to result in the amino acid substitution p.Thr113Ala. To our knowledge, this variant has not been reported in the literature. This variant is reported in 0.0018% of alleles in individuals of European (Non-Finnish) descent in gnomAD. At this time, the clinical significance of this variant is uncertain due to the absence of conclusive functional and genetic evidence.